The following is an entry in ClinVar:

NM_004318.4(ASPH):c.230T>C (p.Leu77Pro)

Gene: ASPH (aspartate beta-hydroxylase; minus strand). Cytogenetic location: 8q12.3.
Variant type: single nucleotide variant.
Coding change: c.230T>C on transcript NM_004318.4 (MANE Select); coding-DNA position 230, T replaced by C.
Protein change: p.Leu77Pro; replaces leucine 77 with proline.
Molecular consequence: missense variant.
Genome position (GRCh38, 1-based): chr8:61,684,062, A>G on the plus strand (T>C on the coding strand, the complement: ASPH is on the minus strand). VCF-style: chr8-61684062-A-G. GRCh37 (hg19) VCF-style: chr8-62596621-A-G.
Other names: c.230T>C, p.Leu77Pro (NM_001413876.1, NM_001413877.1, NM_001413878.1 and 58 more transcripts); c.143T>C, p.Leu48Pro (NM_001413902.1, NM_001413903.1, NM_001413904.1 and 12 more transcripts); short protein forms L48P, L77P.
Identifiers: ClinVar variation 2045814 (VCV002045814.4), dbSNP rs138023523, ClinGen allele CA4762511.

ClinVar aggregate classification (germline): Uncertain significance (1 of 4 stars; one submission).

Allele frequency attached by ClinVar (database versions not stated): ExAC 0.00002; ESP Exome Variant Server 0.00008; gnomAD exomes 0.00007; gnomAD 0.00003; TOPMed 0.00003.
gnomAD v4.1: 105 of 1,613,534 alleles (0.0065%); highest among the groups gnomAD compares: Non-Finnish European, 0.0087%; no homozygotes.

Submission:

Labcorp Genetics (formerly Invitae), Labcorp
Classification: Uncertain significance. Last evaluated: 2022-02-20. Review status: criteria provided, single submitter. Criteria: Invitae Variant Classification Sherloc (09022015). Collection method: clinical testing. Allele origin: germline.
Comment: In summary, the available evidence is currently insufficient to determine the role of this variant in disease. Therefore, it has been classified as a Variant of Uncertain Significance. Algorithms developed to predict the effect of missense changes on protein structure and function are either unavailable or do not agree on the potential impact of this missense change (SIFT: "Deleterious"; PolyPhen-2: "Probably Damaging"; Align-GVGD: "Class C0"). This variant has not been reported in the literature in individuals affected with ASPH-related conditions. This variant is present in population databases (rs138023523, gnomAD 0.005%). This sequence change replaces leucine, which is neutral and non-polar, with proline, which is neutral and non-polar, at codon 77 of the ASPH protein (p.Leu77Pro).